The following is an entry in ClinVar:

ClinVar aggregate classification (germline): Conflicting classifications of pathogenicity. Review status: criteria provided, conflicting classifications (1 of 4 stars). 5 submissions from 5 submitters: Uncertain significance (3); Likely benign (2). Last evaluated 2024-11-11.

Conditions:
Inborn genetic diseases. Identifiers: MedGen C0950123, MeSH D030342.
EPILEPSY, CHILDHOOD ABSENCE, SUSCEPTIBILITY TO, 2 (ECA2). Identifiers: Orphanet 64280, MedGen C1843244, OMIM 607681.
Febrile seizures, familial, 8 (FEB8). Also called: CONVULSIONS, FAMILIAL FEBRILE, 8. Identifiers: Orphanet 36387, MedGen C1969810, MONDO:0011891, OMIM 607681.

Submissions (5):

Labcorp Genetics (formerly Invitae), Labcorp
Classification: Uncertain significance for Febrile seizures, familial, 8; EPILEPSY, CHILDHOOD ABSENCE, SUSCEPTIBILITY TO, 2. Last evaluated: 2024-11-11. Review status: criteria provided, single submitter. Criteria: Invitae Variant Classification Sherloc (09022015). Collection method: clinical testing. Allele origin: germline.
Comment: This variant, c.1113_1115del, results in the deletion of 1 amino acid(s) of the GABRG2 protein (p.Lys374del), but otherwise preserves the integrity of the reading frame. This variant is present in population databases (rs749611954, gnomAD 0.01%). This variant has been observed in individual(s) with epilepsy (PMID: 30660939). ClinVar contains an entry for this variant (Variation ID: 167117). Experimental studies and prediction algorithms are not available or were not evaluated, and the functional significance of this variant is currently unknown. In summary, the available evidence is currently insufficient to determine the role of this variant in disease. Therefore, it has been classified as a Variant of Uncertain Significance.

CeGaT Center for Human Genetics Tuebingen
Classification: Uncertain significance. Last evaluated: 2024-02-01. Review status: criteria provided, single submitter. Criteria: CeGaT Center For Human Genetics Tuebingen Variant Classification Criteria Version 2. Collection method: clinical testing. Allele origin: germline. Affected: yes. Observed: 1 variant allele.

GeneDx
Classification: Likely benign. Last evaluated: 2019-08-30. Review status: criteria provided, single submitter. Criteria: GeneDx Variant Classification Process June 2021. Collection method: clinical testing. Allele origin: germline. Affected: yes.
Comment: This variant is associated with the following publications: (PMID: 30660939)

Ambry Genetics
Classification: Likely benign for Inborn genetic diseases. Last evaluated: 2019-06-06. Review status: criteria provided, single submitter. Criteria: Ambry Variant Classification Scheme 2023. Collection method: clinical testing. Allele origin: germline.

Eurofins Ntd Llc (ga)
Classification: Uncertain significance. Last evaluated: 2014-04-03. Review status: criteria provided, single submitter. Criteria: EGL Classification Definitions 2015. Collection method: clinical testing. Allele origin: germline. Observed: 1 variant allele, 1 heterozygote.

Literature cited by the submitters: PubMed 30660939 (cited by Labcorp Genetics (formerly Invitae), Labcorp and Ambry Genetics).

NM_198904.4(GABRG2):c.1113_1115del (p.Lys374del)

Gene: GABRG2 (gamma-aminobutyric acid type A receptor subunit gamma2; plus strand). Cytogenetic location: 5q34.
Variant type: Deletion.
Coding change: c.1113_1115del on transcript NM_198904.4 (MANE Select); coding-DNA positions 1113 to 1115, 3 bases deleted (AAA; older notation c.1113_1115delAAA).
Protein change: p.Lys374del; deletes lysine 374.
Molecular consequence: inframe deletion. On other transcripts: intron variant (1).
Genome position (GRCh38, 1-based): chr5:162,149,298-162,149,300, AAA deleted; deleting any 3 consecutive bases within chr5:162,149,296-162,149,300 gives the same sequence; the c. name uses the placement nearest the transcript's 3' end. VCF-style (leftmost placement, unchanged base first): chr5-162149295-TAAA-T. GRCh37 (hg19) VCF-style: chr5-161576301-TAAA-T.
Other names: c.1113_1115delAAA (NM_000816.3); c.1113_1115del, p.Lys374del (NM_000816.3); c.1104_1106del, p.Lys371del (NM_001375339.1); c.1110_1112del, p.Lys373del (NM_001375341.1, NM_001375342.1); c.1233_1235del, p.Lys414del (NM_001375343.1, NM_198903.2); c.1152_1154del, p.Lys387del (NM_001375344.1); c.1047_1049del, p.Lys352del (NM_001375345.1, NM_001375346.1); c.1026_1028del, p.Lys345del (NM_001375347.1); and 3 more; short protein forms K414del, K374del, K234del, K279del, K345del, K352del, K371del, K373del.
Identifiers: ClinVar variation 167117 (VCV000167117.40), dbSNP rs727503941, ClinGen allele CA234055.
Genomic context (GRCh38, chr5:162,149,295, plus strand): 5'-GGTGGAGTATGGCACCTTGCATTATTTTGTCAGCAACCGGAAACCAAGCAAGGACAAAGA[TAAA>T]AAGAAGAAAAACCCTGTATGTATCATTTTCCATTGGCACCATTGAAATTTTTATGATTTC-3'